The following is an entry in ClinVar:

ClinVar aggregate classification (germline): Likely benign (1 of 4 stars; one submission).

Allele frequency attached by ClinVar (database versions not stated): gnomAD 0.01154; TOPMed 0.01264; 1000 Genomes Project 0.01338; 1000 Genomes Project 30x 0.01390.

Submission:

GeneDx
Classification: Likely benign. Last evaluated: 2020-04-09. Review status: criteria provided, single submitter. Criteria: GeneDx Variant Classification Process June 2021. Collection method: clinical testing. Allele origin: germline. Affected: yes.
Comment: See Variant Classification Assertion Criteria.

NM_004525.3(LRP2):c.311-169del

Gene: LRP2 (LDL receptor related protein 2; minus strand). Cytogenetic location: 2q31.1.
Variant type: Deletion.
Coding change: c.311-169del on transcript NM_004525.3 (MANE Select); 169 bases into the intron before coding-DNA position 311, one base deleted (A; older notation c.311-169delA).
Molecular consequence: intron variant.
Genome position (GRCh38, 1-based): chr2:169,307,566, T deleted on the plus strand (A on the coding strand, the reverse complement: LRP2 is on the minus strand). VCF-style (leftmost placement, unchanged base first): chr2-169307565-AT-A. GRCh37 (hg19) VCF-style: chr2-170164075-AT-A.
Identifiers: ClinVar variation 1707223 (VCV001707223.2), dbSNP rs150491329, ClinGen allele CA59956022.